The following is an entry in ClinVar:

ClinVar aggregate classification (germline): Uncertain significance. Review status: criteria provided, multiple submitters, no conflicts (2 of 4 stars). 2 submissions from 2 submitters: Uncertain significance (2). Last evaluated 2021-06-28.

Conditions:
Fanconi anemia complementation group O. Also called: RAD51C-Related Fanconi Anemia. Identifiers: Orphanet 84, MedGen C3150653, MONDO:0013248, OMIM 613390.

Submissions (2):

Labcorp Genetics (formerly Invitae), Labcorp
Classification: Uncertain significance for Fanconi anemia complementation group O. Last evaluated: 2021-06-28. Review status: criteria provided, single submitter. Criteria: Invitae Variant Classification Sherloc (09022015). Collection method: clinical testing. Allele origin: germline.
Comment: In summary, the available evidence is currently insufficient to determine the role of this variant in disease. Therefore, it has been classified as a Variant of Uncertain Significance. Algorithms developed to predict the effect of missense changes on protein structure and function (SIFT, PolyPhen-2, Align-GVGD) all suggest that this variant is likely to be tolerated, but these predictions have not been confirmed by published functional studies and their clinical significance is uncertain. This variant has not been reported in the literature in individuals with RAD51C-related conditions. This variant is not present in population databases (ExAC no frequency). This sequence change replaces glutamic acid with lysine at codon 232 of the RAD51C protein (p.Glu232Lys). The glutamic acid residue is moderately conserved and there is a small physicochemical difference between glutamic acid and lysine.

Blueprint Genetics
Classification: Uncertain significance. Last evaluated: 2020-11-09. Review status: criteria provided, single submitter. Criteria: ACMG Guidelines, 2015. Collection method: clinical testing. Allele origin: germline.

NM_058216.3(RAD51C):c.694G>A (p.Glu232Lys)

Genes: RAD51C (RAD51 paralog C; plus strand), LOC129390903 (MPRA-validated peak2919 silencer; plus strand). Cytogenetic location: 17q22.
Variant type: single nucleotide variant.
Coding change: c.694G>A on transcript NM_058216.3 (MANE Select); coding-DNA position 694, G replaced by A.
Protein change: p.Glu232Lys; replaces glutamic acid 232 with lysine.
Molecular consequence: missense variant. On other transcripts: non-coding transcript variant (1).
Genome position (GRCh38, 1-based): chr17:58,703,318, G>A. VCF-style: chr17-58703318-G-A. GRCh37 (hg19) VCF-style: chr17-56780679-G-A.
Other names: short protein forms E232K.
Identifiers: ClinVar variation 1378446 (VCV001378446.9), dbSNP rs2143801948, ClinGen allele CA400350093.